The following is an entry in ClinVar:

NM_000287.4(PEX6):c.*212C>T

Gene: PEX6 (peroxisomal biogenesis factor 6; minus strand). Cytogenetic location: 6p21.1.
Variant type: single nucleotide variant.
Coding change: c.*212C>T on transcript NM_000287.4 (MANE Select); 212 bases downstream of the stop codon, C replaced by T.
Molecular consequence: 3 prime UTR variant. On other transcripts: non-coding transcript variant (1).
Genome position (GRCh38, 1-based): chr6:42,964,123, G>A on the plus strand (C>T on the coding strand, the complement: PEX6 is on the minus strand). VCF-style: chr6-42964123-G-A. GRCh37 (hg19) VCF-style: chr6-42931861-G-A.
Other names: c.*212C>T (NM_001316313.2).
Identifiers: ClinVar variation 356790 (VCV000356790.8), dbSNP rs1051218, ClinGen allele CA10622115.

ClinVar aggregate classification (germline): Likely benign. Review status: criteria provided, multiple submitters, no conflicts (2 of 4 stars). 3 submissions from 3 submitters: Likely benign (3). Last evaluated 2019-03-10.

Conditions:
Peroxisome biogenesis disorder 4A (Zellweger) (PBD4A). Also called: Zellweger syndrome spectrum (PEX6-related). Identifiers: Orphanet 912, MedGen C3553936, MONDO:0013930, OMIM 614862. Disease mechanism: loss of function.

Allele frequency attached by ClinVar (database versions not stated): 1000 Genomes Project 0.00998; 1000 Genomes Project 30x 0.01062; TOPMed 0.02201; gnomAD 0.02282 and 0.02308; gnomAD exomes 0.02916.
gnomAD v4.1: 16,944 of 612,356 alleles (2.8%); highest among the groups gnomAD compares: Non-Finnish European, 3.3%; 331 homozygotes.

Submissions (3):

GeneDx
Classification: Likely benign. Last evaluated: 2019-03-10. Review status: criteria provided, single submitter. Criteria: GeneDx Variant Classification Process June 2021. Collection method: clinical testing. Allele origin: germline. Affected: yes.

Illumina Laboratory Services, Illumina
Classification: Likely benign for Peroxisome biogenesis disorder 4A (Zellweger). Last evaluated: 2018-01-13. Review status: criteria provided, single submitter. Criteria: ICSL Variant Classification Criteria 13 December 2019. Collection method: clinical testing. Allele origin: germline.
Comment: This variant was observed in the ICSL laboratory as part of a predisposition screen in an ostensibly healthy population. It had not been previously curated by ICSL or reported in the Human Gene Mutation Database (HGMD: prior to June 1st, 2018), and was therefore a candidate for classification through an automated scoring system. Utilizing variant allele frequency, disease prevalence and penetrance estimates, and inheritance mode, an automated score was calculated to assess if this variant is too frequent to cause the disease. Based on the score and internal cut-off values, a variant classified as likely benign is not then subjected to further curation. The score for this variant resulted in a classification of likely benign for this disease.

Breakthrough Genomics
Classification: Likely benign. Review status: criteria provided, single submitter. Criteria: ACMG Guidelines, 2015. Collection method: not provided. Allele origin: germline. Inheritance: Autosomal recessive inheritance. Affected: yes.